The following is an entry in ClinVar:

NM_000179.3(MSH6):c.3502A>C (p.Thr1168Pro)

Gene: MSH6 (mutS homolog 6; plus strand). Cytogenetic location: 2p16.3.
Variant type: single nucleotide variant.
Coding change: c.3502A>C on transcript NM_000179.3 (MANE Select); coding-DNA position 3502, A replaced by C.
Protein change: p.Thr1168Pro; replaces threonine 1168 with proline.
Molecular consequence: missense variant.
Genome position (GRCh38, 1-based): chr2:47,804,973, A>C. VCF-style: chr2-47804973-A-C. GRCh37 (hg19) VCF-style: chr2-48032112-A-C.
Other names: c.3112A>C, p.Thr1038Pro (NM_001281492.2); c.2596A>C, p.Thr866Pro (NM_001281493.2, NM_001281494.2); short protein forms T1168P, T866P, T1038P.
Identifiers: ClinVar variation 579146 (VCV000579146.10), dbSNP rs1558389395, ClinGen allele CA346760172.
Genomic context (GRCh38, chr2:47,804,973, plus strand): 5'-GGCTTATTAGCTGTAATGGCCCAGATGGGTTGTTACGTCCCTGCTGAAGTGTGCAGGCTC[A>C]CACCAATTGATAGAGTGTTTACTAGACTTGGTGCCTCAGACAGAATAATGTCAGGTGAGT-3'
Protein context (NP_000170.1, residues 1158-1178): CYVPAEVCRL[Thr1168Pro]PIDRVFTRLG

ClinVar aggregate classification (germline): Uncertain significance. Review status: criteria provided, multiple submitters, no conflicts (2 of 4 stars). 2 submissions from 2 submitters: Uncertain significance (2). Last evaluated 2026-06-26.

Conditions:
Hereditary nonpolyposis colorectal neoplasms. Identifiers: MedGen C0009405, MeSH D003123.
Hereditary cancer-predisposing syndrome. Also called: Neoplastic Syndromes, Hereditary; Hereditary Cancer Syndrome; Hereditary neoplastic syndrome; Tumor predisposition. Identifiers: Orphanet 140162, MedGen C0027672, MeSH D009386, MONDO:0015356.

Submissions (2):

Ambry Genetics
Classification: Uncertain significance for Hereditary cancer-predisposing syndrome. Last evaluated: 2026-06-26. Review status: criteria provided, single submitter. Criteria: Ambry Variant Classification Scheme 2023. Collection method: clinical testing. Allele origin: germline.
Comment: The p.T1168P variant (also known as c.3502A>C), located in coding exon 6 of the MSH6 gene, results from an A to C substitution at nucleotide position 3502. The threonine at codon 1168 is replaced by proline, an amino acid with highly similar properties. This amino acid position is conserved. In addition, this alteration is predicted to be deleterious by in silico analysis. Based on the available evidence, the clinical significance of this variant remains unclear.

Labcorp Genetics (formerly Invitae), Labcorp
Classification: Uncertain significance for Hereditary nonpolyposis colorectal neoplasms. Last evaluated: 2018-01-13. Review status: criteria provided, single submitter. Criteria: Invitae Variant Classification Sherloc (09022015). Collection method: clinical testing. Allele origin: germline.
Comment: In summary, the available evidence is currently insufficient to determine the role of this variant in disease. Therefore, it has been classified as a Variant of Uncertain Significance. Algorithms developed to predict the effect of missense changes on protein structure and function do not agree on the potential impact of this missense change (SIFT: "Deleterious"; PolyPhen-2: "Probably Damaging"; Align-GVGD: "Class C0"). This variant has not been reported in the literature in individuals with MSH6-related disease. This variant is not present in population databases (ExAC no frequency). This sequence change replaces threonine with proline at codon 1168 of the MSH6 protein (p.Thr1168Pro). The threonine residue is highly conserved and there is a small physicochemical difference between threonine and proline.